The following is an entry in ClinVar:

ClinVar aggregate classification (germline): Likely pathogenic (1 of 4 stars; one submission).

Conditions:
Familial adenomatous polyposis 2. Also called: FAP type 2; COLORECTAL ADENOMATOUS POLYPOSIS, AUTOSOMAL RECESSIVE; ADENOMAS, MULTIPLE COLORECTAL, AUTOSOMAL RECESSIVE; MYH-associated polyposis; Adenomas, multiple colorectal; MUTYH-associated polyposis. Identifiers: Orphanet 220460, Orphanet 247798, MedGen C3272841, MONDO:0012041, OMIM 608456.

Submission:

Labcorp Genetics (formerly Invitae), Labcorp
Classification: Likely pathogenic for Familial adenomatous polyposis 2. Last evaluated: 2024-02-19. Review status: criteria provided, single submitter. Criteria: Invitae Variant Classification Sherloc (09022015). Collection method: clinical testing. Allele origin: germline.
Comment: This variant is a gross deletion of the genomic region encompassing exon(s) 15 of the MUTYH gene. This variant would be expected to be in-frame, preserving the integrity of the reading frame. This variant is not present in population databases (gnomAD no frequency). This variant has not been reported in the literature in individuals affected with MUTYH-related conditions. Other variant(s) that result in skipping of exon 15 have been determined to be pathogenic (PMID: 17949294, 19806110, 20618354, 25820570). This suggests that this variant may also be clinically significant and likely to be disease-causing. In summary, the currently available evidence indicates that the variant is pathogenic, but additional data are needed to prove that conclusively. Therefore, this variant has been classified as Likely Pathogenic.

Literature cited by the submitters: PubMed 17949294; PubMed 19806110; PubMed 20618354; PubMed 25820570.

NM_001048174.2(MUTYH):c.1393-44_1434+19del

Gene: MUTYH (mutY DNA glycosylase; minus strand). Cytogenetic location: 1p34.1.
Variant type: Deletion.
Coding change: c.1393-44_1434+19del on transcript NM_001048174.2 (MANE Select); 44 bases into the intron before coding-DNA position 1393 through 19 bases into the intron after coding-DNA position 1434, 105 bases deleted.
Molecular consequence: splice acceptor variant, splice donor variant.
Genome position (GRCh38, 1-based): chr1:45,330,497-45,330,601, 105 bases deleted. GRCh37 (hg19): chr1:45,796,173-45,796,277.
Other names: c.1393-44_1434+19del (NM_001407073.1, NM_001048171.2, NM_001407070.1 and 6 more transcripts); c.1438-44_1479+19del (NM_001293190.2); c.1426-44_1467+19del (NM_001407069.1, NM_001407077.1, NM_001293191.2); c.1468-44_1509+19del (NM_012222.3); c.1477-44_1518+19del (NM_001128425.2); c.1396-44_1437+19del (NM_001407071.1, NM_001048172.2, NM_001407078.1 and 1 more transcripts); c.1048-44_1089+19del (NM_001407082.1, NM_001350651.2, NM_001350650.2); c.1117-44_1158+19del (NM_001293196.2, NM_001407091.1, NM_001293192.2); and 5 more.
Identifiers: ClinVar variation 3642080 (VCV003642080.2).